The following is an entry in ClinVar:

NM_001267550.2(TTN):c.71234C>A (p.Thr23745Asn)

Genes: TTN (titin; minus strand), TTN-AS1 (TTN antisense RNA 1; plus strand). Cytogenetic location: 2q31.2.
Variant type: single nucleotide variant.
Coding change: c.71234C>A on transcript NM_001267550.2 (MANE Select); coding-DNA position 71234, C replaced by A.
Protein change: p.Thr23745Asn; replaces threonine 23745 with asparagine.
Molecular consequence: missense variant.
Genome position (GRCh38, 1-based): chr2:178,574,898, G>T on the plus strand (C>A on the coding strand, the complement: TTN is on the minus strand). VCF-style: chr2-178574898-G-T. GRCh37 (hg19) VCF-style: chr2-179439625-G-T.
Other names: c.66311C>A, p.Thr22104Asn (NM_001256850.1); c.44039C>A, p.Thr14680Asn (NM_003319.4); c.63530C>A, p.Thr21177Asn (NM_133378.4); c.44414C>A, p.Thr14805Asn (NM_133432.3); c.44615C>A, p.Thr14872Asn (NM_133437.4); short protein forms T14680N, T14805N, T14872N, T21177N, T22104N, T23745N.
Identifiers: ClinVar variation 2438082 (VCV002438082.4), dbSNP rs767956788, ClinGen allele CA349658725.

ClinVar aggregate classification (germline): Uncertain significance. Review status: criteria provided, multiple submitters, no conflicts (2 of 4 stars). 2 submissions from 2 submitters: Uncertain significance (2). Last evaluated 2026-07-21.

Conditions:
TTN-related disorder. Also called: TTN-related condition; TTN-related disease; TTN-related disorders.

Allele frequency attached by ClinVar (database versions not stated): gnomAD 0.00002; gnomAD exomes 0.00002; TOPMed 0.00002.
gnomAD v4.1: 32 of 1,612,724 alleles (0.002%); highest among the groups gnomAD compares: Non-Finnish European, 0.0025%; no homozygotes.

Submissions (2):

PreventionGenetics, part of Exact Sciences
Classification: Uncertain significance for TTN-related condition. Last evaluated: 2026-07-21. Review status: criteria provided, single submitter. Criteria: ACMG Guidelines, 2015. Collection method: clinical testing. Allele origin: germline.
Comment: The TTN c.71234C>A variant is predicted to result in the amino acid substitution p.Thr23745Asn. To our knowledge, this variant has not been reported in the literature. This variant is reported in 0.0018% of alleles in individuals of European (Non-Finnish) descent in gnomAD. At this time, the clinical significance of this variant is uncertain due to the absence of conclusive functional and genetic evidence.

Revvity Omics, Revvity
Classification: Uncertain significance. Last evaluated: 2020-02-14. Review status: criteria provided, single submitter. Criteria: ACMG Guidelines, 2015. Collection method: clinical testing. Allele origin: germline.